The following is an entry in ClinVar:

ClinVar aggregate classification (germline): Uncertain significance (1 of 4 stars; one submission).

Submission:

Ambry Genetics
Classification: Uncertain significance. Last evaluated: 2023-05-21. Review status: criteria provided, single submitter. Criteria: Ambry Variant Classification Scheme 2023. Collection method: clinical testing. Allele origin: germline.
Comment: The p.D1637G variant (also known as c.4910A>G), located in coding exon 16 of the POLQ gene, results from an A to G substitution at nucleotide position 4910. The aspartic acid at codon 1637 is replaced by glycine, an amino acid with similar properties. This amino acid position is conserved. In addition, this alteration is predicted to be tolerated by in silico analysis. Since supporting evidence is limited at this time, the clinical significance of this alteration remains unclear.

NM_199420.4(POLQ):c.4910A>G (p.Asp1637Gly)

Gene: POLQ (DNA polymerase theta; minus strand). Cytogenetic location: 3q13.33.
Variant type: single nucleotide variant.
Coding change: c.4910A>G on transcript NM_199420.4 (MANE Select); coding-DNA position 4910, A replaced by G.
Protein change: p.Asp1637Gly; replaces aspartic acid 1637 with glycine.
Molecular consequence: missense variant.
Genome position (GRCh38, 1-based): chr3:121,488,021, T>C on the plus strand (A>G on the coding strand, the complement: POLQ is on the minus strand). VCF-style: chr3-121488021-T-C. GRCh37 (hg19) VCF-style: chr3-121206868-T-C.
Other names: short protein forms D1637G.
Identifiers: ClinVar variation 2563860 (VCV002563860.2), dbSNP rs2546785379, ClinGen allele CA354093263.